The following is an entry in ClinVar:

ClinVar aggregate classification (germline): Pathogenic (1 of 4 stars; one submission).

Conditions:
Neuromuscular disease caused by qualitative or quantitative defects of dystrophin. Also called: Qualitative or quantitative defects of dystrophin. Identifiers: Orphanet 207085, MedGen C5679787, MONDO:0016147.

Submission:

Women's Health and Genetics/Laboratory Corporation of America, LabCorp
Classification: Pathogenic for Neuromuscular disease caused by qualitative or quantitative defects of dystrophin. Last evaluated: 2025-07-18. Review status: criteria provided, single submitter. Criteria: LabCorp Variant Classification Summary - May 2015. Collection method: clinical testing. Allele origin: germline.
Comment: Variant summary: The variant involves the deletion of exons 8-12 in the DMD gene. A presumed nomenclature of c.(649+1_650-1)_(1482+1_1483-1)del has been designated for the purposes of this classification. This Copy Number Variant (CNV) is expected to alter the reading frame and is predicted to result in a truncation or absence of the encoded protein due to nonsense mediated decay (NMD). The variant was absent in 16120 control chromosomes. c.(649+1_650-1)_(1482+1_1483-1)del has been observed in individual(s) affected with Dystrophinopathies (e.g. Zamani_2022). The following publication has been ascertained in the context of this evaluation (PMID: 35501714). ClinVar contains an entry for this variant (Variation ID: 1455850). Based on the evidence outlined above, the variant was classified as pathogenic.

Literature cited by the submitters: PubMed 35501714.

NC_000023.10:g.(32613994_32632419)_(32717411_32827609)del

Gene: DMD (dystrophin; minus strand). Cytogenetic location: Xp21.1.
Variant type: Deletion.
Identifiers: ClinVar variation 4525786 (VCV004525786.1).